The following is an entry in ClinVar:

ClinVar aggregate classification (germline): Uncertain significance. Review status: criteria provided, multiple submitters, no conflicts (2 of 4 stars). 2 submissions from 2 submitters: Uncertain significance (2). Last evaluated 2025-12-11.

Conditions:
Hereditary cancer-predisposing syndrome. Also called: Neoplastic Syndromes, Hereditary; Tumor predisposition; Hereditary Cancer Syndrome; Hereditary neoplastic syndrome. Identifiers: Orphanet 140162, MedGen C0027672, MeSH D009386, MONDO:0015356.
EGFR-related lung cancer (EGFR). Identifiers: MedGen CN130014.

Submissions (2):

Ambry Genetics
Classification: Uncertain significance for Hereditary cancer-predisposing syndrome. Last evaluated: 2025-12-11. Review status: criteria provided, single submitter. Criteria: Ambry Variant Classification Scheme 2023. Collection method: clinical testing. Allele origin: germline.
Comment: The p.I744V variant (also known as c.2230A>G), located in coding exon 19 of the EGFR gene, results from an A to G substitution at nucleotide position 2230. The isoleucine at codon 744 is replaced by valine, an amino acid with highly similar properties. This amino acid position is highly conserved in available vertebrate species. In addition, the in silico prediction for this alteration is inconclusive. Based on the available evidence, the clinical significance of this variant remains unclear.

Labcorp Genetics (formerly Invitae), Labcorp
Classification: Uncertain significance for EGFR-related lung cancer. Last evaluated: 2023-07-17. Review status: criteria provided, single submitter. Criteria: Invitae Variant Classification Sherloc (09022015). Collection method: clinical testing. Allele origin: germline.
Comment: In summary, the available evidence is currently insufficient to determine the role of this variant in disease. Therefore, it has been classified as a Variant of Uncertain Significance. Advanced modeling of protein sequence and biophysical properties (such as structural, functional, and spatial information, amino acid conservation, physicochemical variation, residue mobility, and thermodynamic stability) performed at Invitae indicates that this missense variant is not expected to disrupt EGFR protein function. ClinVar contains an entry for this variant (Variation ID: 1027022). This variant has not been reported in the literature in individuals affected with EGFR-related conditions. This variant is not present in population databases (gnomAD no frequency). This sequence change replaces isoleucine, which is neutral and non-polar, with valine, which is neutral and non-polar, at codon 744 of the EGFR protein (p.Ile744Val).

NM_005228.5(EGFR):c.2230A>G (p.Ile744Val)

Gene: EGFR (epidermal growth factor receptor; plus strand). Cytogenetic location: 7p11.2.
Variant type: single nucleotide variant.
Coding change: c.2230A>G on transcript NM_005228.5 (MANE Select); coding-DNA position 2230, A replaced by G.
Protein change: p.Ile744Val; replaces isoleucine 744 with valine.
Molecular consequence: missense variant.
Genome position (GRCh38, 1-based): chr7:55,174,767, A>G. VCF-style: chr7-55174767-A-G. GRCh37 (hg19) VCF-style: chr7-55242460-A-G.
Other names: c.2095A>G, p.Ile699Val (NM_001346897.2, NM_001346899.2); c.2230A>G, p.Ile744Val (NM_001346898.2); c.2071A>G, p.Ile691Val (NM_001346900.2); c.1429A>G, p.Ile477Val (NM_001346941.2); c.2230A>G (NM_005228.3); short protein forms I477V, I691V, I699V, I744V.
Identifiers: ClinVar variation 1027022 (VCV001027022.9), dbSNP rs1554348865, ClinGen allele CA367584132.
Genomic context (GRCh38, chr7:55,174,767, plus strand): 5'-CTCTCTCTGTCATAGGGACTCTGGATCCCAGAAGGTGAGAAAGTTAAAATTCCCGTCGCT[A>G]TCAAGGAATTAAGAGAAGCAACATCTCCGAAAGCCAACAAGGAAATCCTCGATGTGAGTT-3'
Protein context (NP_005219.2, residues 734-754): EGEKVKIPVA[Ile744Val]KELREATSPK